The following is an entry in ClinVar:

NM_018136.5(ASPM):c.5580G>A (p.Ala1860=)

Gene: ASPM (assembly factor for spindle microtubules; minus strand). Cytogenetic location: 1q31.3.
Variant type: single nucleotide variant.
Coding change: c.5580G>A on transcript NM_018136.5 (MANE Select); coding-DNA position 5580, G replaced by A.
Protein change: p.Ala1860=; no amino-acid change (alanine 1860 retained).
Molecular consequence: synonymous variant. On other transcripts: intron variant (1).
Genome position (GRCh38, 1-based): chr1:197,103,671, C>T on the plus strand (G>A on the coding strand, the complement: ASPM is on the minus strand). VCF-style: chr1-197103671-C-T. GRCh37 (hg19) VCF-style: chr1-197072801-C-T.
Other names: c.4066-7507G>A (NM_001206846.2); c.5580G>A (NM_018136.4).
Identifiers: ClinVar variation 2896691 (VCV002896691.5), dbSNP rs149111545, ClinGen allele CA1309730.

ClinVar aggregate classification (germline): Likely benign. Review status: criteria provided, single submitter (1 of 4 stars). 2 submissions from 2 submitters: Likely benign (1). 1 of the submissions does not count toward it. Last evaluated 2025-01-09.

Conditions:
ASPM-related disorder. Also called: ASPM-related condition.

Allele frequency attached by ClinVar (database versions not stated): ESP Exome Variant Server 0.00008; gnomAD 0.00008; TOPMed 0.00008.
gnomAD v4.1: 82 of 1,612,774 alleles (0.0051%); highest among the groups gnomAD compares: South Asian, 0.034%; no homozygotes.

Submissions (2):

Labcorp Genetics (formerly Invitae), Labcorp
Classification: Likely benign. Last evaluated: 2025-01-09. Review status: criteria provided, single submitter. Criteria: Invitae Variant Classification Sherloc (09022015). Collection method: clinical testing. Allele origin: germline.

PreventionGenetics, part of Exact Sciences
Classification: Likely benign for ASPM-related condition. Last evaluated: 2019-12-30. Review status: no assertion criteria provided. Collection method: clinical testing. Allele origin: germline. Not counted in ClinVar's aggregate classification.
Comment: This variant is classified as likely benign based on ACMG/AMP sequence variant interpretation guidelines (Richards et al. 2015 PMID: 25741868, with internal and published modifications).